The following is an entry in ClinVar:

NM_001009944.3(PKD1):c.9598G>A (p.Val3200Ile)

Gene: PKD1 (polycystin 1, transient receptor potential channel interacting; minus strand). Cytogenetic location: 16p13.3.
Variant type: single nucleotide variant.
Coding change: c.9598G>A on transcript NM_001009944.3 (MANE Select); coding-DNA position 9598, G replaced by A.
Protein change: p.Val3200Ile; replaces valine 3200 with isoleucine.
Molecular consequence: missense variant.
Genome position (GRCh38, 1-based): chr16:2,100,280, C>T on the plus strand (G>A on the coding strand, the complement: PKD1 is on the minus strand). VCF-style: chr16-2100280-C-T. GRCh37 (hg19) VCF-style: chr16-2150281-C-T.
Other names: c.9598G>A, p.Val3200Ile (NM_000296.4); short protein forms V3200I.
Identifiers: ClinVar variation 3029081 (VCV003029081.2), dbSNP rs1422698524, ClinGen allele CA394355454.

ClinVar aggregate classification (germline): Uncertain significance (0 of 4 stars; one submission).

Conditions:
PKD1-related disorder. Also called: PKD1-related condition.

Allele frequency attached by ClinVar (database versions not stated): gnomAD 0.00003; TOPMed 0.00003.
gnomAD v4.1: 26 of 1,610,644 alleles (0.0016%); highest among the groups gnomAD compares: Middle Eastern, 0.022%; no homozygotes.

Submission:

PreventionGenetics, part of Exact Sciences
Classification: Uncertain significance for PKD1-related condition. Last evaluated: 2023-10-31. Review status: no assertion criteria provided. Collection method: clinical testing. Allele origin: germline.
Comment: The PKD1 c.9598G>A variant is predicted to result in the amino acid substitution p.Val3200Ile. To our knowledge, this variant has not been reported in the literature. This variant is reported in 0.012% of alleles in individuals of European (Finnish) descent in gnomAD. The p.Val3200 residue is moderately conserved during evolution and at this position is an isoleucine (Ile) in rat and mouse. Although we suspect this variant could be benign, the clinical significance of this variant is uncertain due to the absence of conclusive functional and genetic evidence.